The following is an entry in ClinVar:

NM_000020.3(ACVRL1):c.872_873del (p.Arg291fs)

Gene: ACVRL1 (activin A receptor like type 1; plus strand). Cytogenetic location: 12q13.13.
Variant type: Microsatellite.
Coding change: c.872_873del on transcript NM_000020.3 (MANE Select); coding-DNA positions 872 to 873, 2 bases deleted (GA; older notation c.872_873delGA).
Protein change: p.Arg291fs; shifts the reading frame from arginine 291.
Molecular consequence: frameshift variant.
Genome position (GRCh38, 1-based): chr12:51,915,324-51,915,325, GA deleted; deleting any 2 consecutive bases within chr12:51,915,321-51,915,325 gives the same sequence; the c. name uses the placement nearest the transcript's 3' end. VCF-style (leftmost placement, unchanged base first): chr12-51915320-CAG-C. GRCh37 (hg19) VCF-style: chr12-52309104-CAG-C.
Other names: p.Arg291Thrfs*100; c.872_873del, p.Arg291fs (NM_001077401.2); c.872_873delGA (NM_000020.2, NM_000020.3); short protein forms R291fs.
Identifiers: ClinVar variation 645621 (VCV000645621.19), dbSNP rs1592224087, ClinGen allele CA915948523.

ClinVar aggregate classification (germline): Pathogenic. Review status: criteria provided, multiple submitters, no conflicts (2 of 4 stars). 6 submissions from 6 submitters: Pathogenic (6). Last evaluated 2025-08-22.

Conditions:
Cardiovascular phenotype. Identifiers: MedGen CN230736.
Hereditary hemorrhagic telangiectasia (HHT). Also called: ORW DISEASE; Osler Weber Rendu syndrome; OSLER-RENDU-WEBER DISEASE; Osler hemorrhagic telangiectasia syndrome. Identifiers: Orphanet 774, MedGen C0039445, MONDO:0019180. Disease mechanism: loss of function.
ACVRL1-related disorder. Also called: ACVRL1-related condition; ACVRL1-related disorders.
Telangiectasia, hereditary hemorrhagic, type 2 (HHT2). Also called: ACVRL1-Related Hereditary Hemorrhagic Telangiectasia; Telangiectasia, hereditary hemorrhagic, type II. Identifiers: Orphanet 774, MedGen C1838163, MONDO:0010880, OMIM 600376. Disease mechanism: loss of function.

Submissions (6):

Labcorp Genetics (formerly Invitae), Labcorp
Classification: Pathogenic for Telangiectasia, hereditary hemorrhagic, type 2. Last evaluated: 2025-08-22. Review status: criteria provided, single submitter. Criteria: Invitae Variant Classification Sherloc (09022015). Collection method: clinical testing. Allele origin: germline.
Comment: This sequence change creates a premature translational stop signal (p.Arg291Thrfs*100) in the ACVRL1 gene. It is expected to result in an absent or disrupted protein product. Loss-of-function variants in ACVRL1 are known to be pathogenic (PMID: 15879500). This variant is not present in population databases (gnomAD no frequency). This variant has not been reported in the literature in individuals affected with ACVRL1-related conditions. For these reasons, this variant has been classified as Pathogenic.

Mayo Clinic Laboratories, Mayo Clinic
Classification: Pathogenic. Last evaluated: 2025-05-07. Review status: criteria provided, single submitter. Criteria: ACMG Guidelines, 2015. Collection method: clinical testing. Allele origin: germline. Observed: 1 variant allele.
Comment: PM2_supporting, PS4_supporting, PVS1

Blueprint Genetics
Classification: Pathogenic for ACVRL1-related disorders. Last evaluated: 2023-07-11. Review status: criteria provided, single submitter. Criteria: ACMG Guidelines, 2015. Collection method: clinical testing. Allele origin: germline. Affected: yes. Observed: 3 variant alleles.

Ambry Genetics
Classification: Pathogenic for Cardiovascular phenotype. Last evaluated: 2023-04-27. Review status: criteria provided, single submitter. Criteria: Ambry Variant Classification Scheme 2023. Collection method: clinical testing. Allele origin: germline.
Comment: The c.872_873delGA pathogenic mutation, located in coding exon 6 of the ACVRL1 gene, results from a deletion of two nucleotides between positions 872 and 873, causing a translational frameshift with a predicted alternate stop codon (p.R291Tfs*100). This mutation has been detected in multiple families with clinical features of hereditary hemorrhagic telangiectasia. This variant is considered to be rare based on population cohorts in the Genome Aggregation Database (gnomAD). In addition, this alteration is expected to result in loss of function by premature protein truncation or nonsense-mediated mRNA decay. As such, this alteration is interpreted as a disease-causing mutation.

Molecular Genetics, Royal Melbourne Hospital
Classification: Pathogenic for Hereditary hemorrhagic telangiectasia. Last evaluated: 2023-03-30. Review status: criteria provided, single submitter. Criteria: ACMG Guidelines, 2015. Collection method: clinical testing. Allele origin: germline. Affected: yes.
Comment: This sequence change in ACVRL1 is a frameshift variant predicted to cause a premature stop codon, p.(Arg291Thrfs*100), in biologically relevant exon 8/10 leading to nonsense-mediated decay in a gene in which loss-of-function is an established disease mechanism. This variant is absent from the population database gnomAD v2.1 and v3.1. To our knowledge, this variant has not been reported in the relevant literature in any individuals. This variant has been identified in at least one proband with a clinical diagnosis of hereditary haemorrhagic telangiectasia (Royal Melbourne Hospital). Based on the classification scheme RMH Modified ACMG Guidelines v1.5.1, this variant is classified as PATHOGENIC. Following criteria are met: PVS1, PS4_Supporting, PM2_Supporting.

ARUP Laboratories, Molecular Genetics and Genomics, ARUP Laboratories
Classification: Pathogenic for Telangiectasia, hereditary hemorrhagic, type 2. Last evaluated: 2022-01-10. Review status: criteria provided, single submitter. Criteria: ARUP Molecular Germline Variant Investigation Process 2021. Collection method: clinical testing. Allele origin: germline.
Comment: The ACVRL1 c.872_873delGA; p.Arg291ThrfsTer100 variant (rs1592224087), to our knowledge, is not reported in the medical literature but is reported in ClinVar (Variation ID: 645621). This variant is absent from the Genome Aggregation Database, indicating it is not a common polymorphism. This variant causes a frameshift by deletion two nucleotides, so it is predicted to result in a truncated protein or mRNA subject to nonsense-mediated decay. Based on available information, this variant is considered to be pathogenic.

Literature cited by the submitters: PubMed 15879500 (cited by Labcorp Genetics (formerly Invitae), Labcorp).